The following is an entry in ClinVar:

NM_203447.4(DOCK8):c.310C>T (p.Gln104Ter)

Genes: DOCK8 (dedicator of cytokinesis 8; plus strand), LOC126860552 (BRD4-independent group 4 enhancer GRCh37_chr9:285795-286994; plus strand). Cytogenetic location: 9p24.3.
Variant type: single nucleotide variant.
Coding change: c.310C>T on transcript NM_203447.4 (MANE Select); coding-DNA position 310, C replaced by T.
Protein change: p.Gln104Ter; replaces glutamine 104 with a stop codon.
Molecular consequence: nonsense.
Genome position (GRCh38, 1-based): chr9:286,614, C>T. VCF-style: chr9-286614-C-T. GRCh37 (hg19) VCF-style: chr9-286614-C-T.
Other names: c.106C>T, p.Gln36Ter (NM_001190458.2, NM_001193536.2); short protein forms Q104*, Q36*.
Identifiers: ClinVar variation 2012489 (VCV002012489.4), dbSNP rs2537560344, ClinGen allele CA372756466.

ClinVar aggregate classification (germline): Pathogenic (1 of 4 stars; one submission).

Conditions:
Combined immunodeficiency due to DOCK8 deficiency (HIES2). Also called: Hyper-IgE recurrent infection syndrome, autosomal recessive; HIES autosomal recessive; HYPER-IgE SYNDROME 2, AUTOSOMAL RECESSIVE, WITH RECURRENT INFECTIONS; HYPER-IgE RECURRENT INFECTION SYNDROME 2, AUTOSOMAL RECESSIVE; DOCK8 Deficiency. Identifiers: Orphanet 217390, MedGen C4722305, MONDO:0009478, OMIM 243700.

Allele frequency attached by ClinVar (database versions not stated): gnomAD exomes below 0.00001.
gnomAD v4.1: 1 of 1,613,914 alleles (0.000062%); highest among the groups gnomAD compares: Non-Finnish European, 0.000085%; no homozygotes.

Submission:

Labcorp Genetics (formerly Invitae), Labcorp
Classification: Pathogenic for Combined immunodeficiency due to DOCK8 deficiency. Last evaluated: 2022-10-17. Review status: criteria provided, single submitter. Criteria: Invitae Variant Classification Sherloc (09022015). Collection method: clinical testing. Allele origin: germline.
Comment: This variant has not been reported in the literature in individuals affected with DOCK8-related conditions. Algorithms developed to predict the effect of sequence changes on RNA splicing suggest that this variant may create or strengthen a splice site. For these reasons, this variant has been classified as Pathogenic. This variant is not present in population databases (gnomAD no frequency). This sequence change creates a premature translational stop signal (p.Gln104*) in the DOCK8 gene. It is expected to result in an absent or disrupted protein product. Loss-of-function variants in DOCK8 are known to be pathogenic (PMID: 14722525, 19776401).

Literature cited by the submitters: PubMed 14722525; PubMed 19776401.